The following is an entry in ClinVar:

NM_015488.5(PNKD):c.226G>C (p.Gly76Arg)

Gene: PNKD (PNKD metallo-beta-lactamase domain containing; plus strand). Cytogenetic location: 2q35.
Variant type: single nucleotide variant.
Coding change: c.226G>C on transcript NM_015488.5 (MANE Select); coding-DNA position 226, G replaced by C.
Protein change: p.Gly76Arg; replaces glycine 76 with arginine.
Molecular consequence: missense variant.
Genome position (GRCh38, 1-based): chr2:218,271,539, G>C. VCF-style: chr2-218271539-G-C. GRCh37 (hg19) VCF-style: chr2-219136262-G-C.
Other names: c.226G>C, p.Gly76Arg (NM_001077399.3); short protein forms G76R.
Identifiers: ClinVar variation 1026610 (VCV001026610.10), dbSNP rs1690831012, ClinGen allele CA350544918.

ClinVar aggregate classification (germline): Uncertain significance. Review status: criteria provided, multiple submitters, no conflicts (2 of 4 stars). 2 submissions from 2 submitters: Uncertain significance (2). Last evaluated 2022-03-11.

Conditions:
Paroxysmal nonkinesigenic dyskinesia. Also called: Paroxysmal non-kinesigenic dyskinesia. Identifiers: Orphanet 98810, MedGen C1869117, MONDO:0700088.

Submissions (2):

GeneDx
Classification: Uncertain significance. Last evaluated: 2022-03-11. Review status: criteria provided, single submitter. Criteria: GeneDx Variant Classification Process June 2021. Collection method: clinical testing. Allele origin: germline. Affected: yes.
Comment: Not observed at significant frequency in large population cohorts (gnomAD); In silico analysis supports that this missense variant has a deleterious effect on protein structure/function; Has not been previously published as pathogenic or benign to our knowledge

Labcorp Genetics (formerly Invitae), Labcorp
Classification: Uncertain significance for Paroxysmal nonkinesigenic dyskinesia. Last evaluated: 2020-09-20. Review status: criteria provided, single submitter. Criteria: Invitae Variant Classification Sherloc (09022015). Collection method: clinical testing. Allele origin: germline.
Comment: In summary, the available evidence is currently insufficient to determine the role of this variant in disease. Therefore, it has been classified as a Variant of Uncertain Significance. Algorithms developed to predict the effect of missense changes on protein structure and function are either unavailable or do not agree on the potential impact of this missense change (SIFT: "Deleterious"; PolyPhen-2: "Possibly Damaging"; Align-GVGD: "Class C0"). This variant has been observed in individual(s) with dystonia (Invitae). This variant is not present in population databases (ExAC no frequency). This sequence change replaces glycine with arginine at codon 76 of the PNKD protein (p.Gly76Arg). The glycine residue is moderately conserved and there is a moderate physicochemical difference between glycine and arginine.